The following is an entry in ClinVar:

NM_001048174.2(MUTYH):c.613G>A (p.Gly205Ser)

Gene: MUTYH (mutY DNA glycosylase; minus strand). Cytogenetic location: 1p34.1.
Variant type: single nucleotide variant.
Coding change: c.613G>A on transcript NM_001048174.2 (MANE Select); coding-DNA position 613, G replaced by A.
Protein change: p.Gly205Ser; replaces glycine 205 with serine.
Molecular consequence: missense variant. On other transcripts: non-coding transcript variant (2).
Genome position (GRCh38, 1-based): chr1:45,332,482, C>T on the plus strand (G>A on the coding strand, the complement: MUTYH is on the minus strand). VCF-style: chr1-45332482-C-T. GRCh37 (hg19) VCF-style: chr1-45798154-C-T.
Other names: c.613G>A, p.Gly205Ser (NM_001048171.2, NM_001048173.2, NM_001293195.2); c.616G>A, p.Gly206Ser (NM_001048172.2); c.697G>A, p.Gly233Ser (NM_001128425.2); c.658G>A, p.Gly220Ser (NM_001293190.2); c.646G>A, p.Gly216Ser (NM_001293191.2); c.337G>A, p.Gly113Ser (NM_001293192.2, NM_001293196.2); c.268G>A, p.Gly90Ser (NM_001350650.2, NM_001350651.2); c.688G>A, p.Gly230Ser (NM_012222.3); short protein forms G233S, G205S, G90S, G216S, G220S, G113S, G206S, G230S.
Identifiers: ClinVar variation 406846 (VCV000406846.24), dbSNP rs377639760, ClinGen allele CA16610136.
Genomic context (GRCh38, chr1:45,332,482, plus strand): 5'-GATCAGCACCAATGGCTCGGACACGGCACAGCACCCGTGCTACGTTGCCATCCACCACAC[C>T]GGTTGCCTGGCACAGAGGGGCCAAAGAGTTAGCCTGGGCTGGGAGGAAGGAGGCTGGGCA-3'
Protein context (NP_001041639.1, residues 195-215): IASIAFGQAT[Gly205Ser]VVDGNVARVL

ClinVar aggregate classification (germline): Uncertain significance. Review status: criteria provided, multiple submitters, no conflicts (2 of 4 stars). 7 submissions from 7 submitters: Uncertain significance (7). Last evaluated 2025-11-22.

Conditions:
Hereditary cancer-predisposing syndrome. Also called: Tumor predisposition; Hereditary Cancer Syndrome; Hereditary neoplastic syndrome; Neoplastic Syndromes, Hereditary. Identifiers: Orphanet 140162, MedGen C0027672, MeSH D009386, MONDO:0015356.
Familial adenomatous polyposis 2. Also called: COLORECTAL ADENOMATOUS POLYPOSIS, AUTOSOMAL RECESSIVE; MUTYH Polyposis; MUTYH-associated polyposis; MUTYH-related attenuated familial adenomatous polyposis; Adenomas, multiple colorectal; ADENOMAS, MULTIPLE COLORECTAL, AUTOSOMAL RECESSIVE. Identifiers: Orphanet 220460, Orphanet 247798, MedGen C3272841, MONDO:0012041, OMIM 608456.

Allele frequency attached by ClinVar (database versions not stated): gnomAD exomes 0.00001.

Submissions (7):

Labcorp Genetics (formerly Invitae), Labcorp
Classification: Uncertain significance for Familial adenomatous polyposis 2. Last evaluated: 2025-11-22. Review status: criteria provided, single submitter. Criteria: Invitae Variant Classification Sherloc (09022015). Collection method: clinical testing. Allele origin: germline.
Comment: This sequence change replaces glycine, which is neutral and non-polar, with serine, which is neutral and polar, at codon 233 of the MUTYH protein (p.Gly233Ser). This variant is not present in population databases (gnomAD no frequency). This variant has not been reported in the literature in individuals affected with MUTYH-related conditions. ClinVar contains an entry for this variant (Variation ID: 406846). An algorithm developed to predict the effect of missense changes on protein structure and function outputs the following: PolyPhen-2: "Benign". The serine amino acid residue is found in multiple mammalian species, which suggests that this missense change does not adversely affect protein function. In summary, the available evidence is currently insufficient to determine the role of this variant in disease. Therefore, it has been classified as a Variant of Uncertain Significance.

Ambry Genetics
Classification: Uncertain significance for Hereditary cancer-predisposing syndrome. Last evaluated: 2024-09-11. Review status: criteria provided, single submitter. Criteria: Ambry Variant Classification Scheme 2023. Collection method: clinical testing. Allele origin: germline.
Comment: The p.G233S variant (also known as c.697G>A), located in coding exon 9 of the MUTYH gene, results from a G to A substitution at nucleotide position 697. The glycine at codon 233 is replaced by serine, an amino acid with similar properties. This amino acid position is well conserved in available vertebrate species. In addition, the in silico prediction for this alteration is inconclusive. Based on the available evidence, the clinical significance of this variant remains unclear.

St. Jude Molecular Pathology, St. Jude Children's Research Hospital
Classification: Uncertain significance for Familial adenomatous polyposis 2. Last evaluated: 2024-08-03. Review status: criteria provided, single submitter. Criteria: St. Jude Assertion Criteria 2020. Collection method: clinical testing. Allele origin: germline.
Comment: The MUTYH c.697G>A (p.Gly233Ser) missense variant is absent in gnomAD v2.1.1. The in silico tool REVEL is inconclusive about a pathogenic or benign effect of this variant on protein function, and to our knowledge functional studies have not been performed. To our knowledge, this variant has not been reported in the literature in individuals with MUTYH-associated conditions. In summary, the evidence currently available is insufficient to determine the clinical significance of this variant. It has therefore been classified as of uncertain significance.

All of Us Research Program, National Institutes of Health
Classification: Uncertain significance for Familial adenomatous polyposis 2. Last evaluated: 2023-12-01. Review status: criteria provided, single submitter. Criteria: ACMG Guidelines, 2015. Collection method: clinical testing. Allele origin: germline. Inheritance: Autosomal recessive inheritance. Observed: 3 variant alleles, 3 heterozygotes.
Comment: This missense variant replaces glycine with serine at codon 233 of the MUTYH protein. Computational prediction tool suggests that this variant may not impact protein structure and function (internally defined REVEL score threshold <=0.5, PMID: 27666373). Splice site prediction tools suggest that this variant may not impact RNA splicing. To our knowledge, functional studies have not been performed for this variant. This variant has not been reported in individuals affected with hereditary cancer in the literature. This variant has not been identified in the general population by the Genome Aggregation Database (gnomAD). The available evidence is insufficient to determine the role of this variant in disease conclusively. Therefore, this variant is classified as a Variant of Uncertain Significance.

This study involves interpretation of variants in research participants for the purpose of population health screening. Participant phenotype was not available at the time of variant classification. Additional details can be found in publication PMID: 35346344, PMCID: PMC8962531

GeneDx
Classification: Uncertain significance. Last evaluated: 2023-03-06. Review status: criteria provided, single submitter. Criteria: GeneDx Variant Classification Process June 2021. Collection method: clinical testing. Allele origin: germline. Affected: yes.
Comment: Not observed at significant frequency in large population cohorts (gnomAD); In silico analysis supports that this missense variant has a deleterious effect on protein structure/function; Has not been previously published as pathogenic or benign to our knowledge; This variant is associated with the following publications: (PMID: 23108399, 11801590)

Color Diagnostics, LLC DBA Color Health
Classification: Uncertain significance for Hereditary cancer-predisposing syndrome. Last evaluated: 2022-12-01. Review status: criteria provided, single submitter. Criteria: ACMG Guidelines, 2015. Collection method: clinical testing. Allele origin: germline.
Comment: This missense variant replaces glycine with serine at codon 233 of the MUTYH protein. Computational prediction suggests that this variant may not impact protein structure and function (internally defined REVEL score threshold <= 0.5, PMID: 27666373). To our knowledge, functional studies have not been reported for this variant. This variant has not been reported in individuals affected with MUTYH-related disorders in the literature. This variant has not been identified in the general population by the Genome Aggregation Database (gnomAD). The available evidence is insufficient to determine the role of this variant in disease conclusively. Therefore, this variant is classified as a Variant of Uncertain Significance.

Quest Diagnostics Nichols Institute San Juan Capistrano
Classification: Uncertain significance. Last evaluated: 2017-10-04. Review status: criteria provided, single submitter. Criteria: Quest Diagnostics criteria. Collection method: clinical testing. Allele origin: germline.